The following is an entry in ClinVar:

ClinVar aggregate classification (germline): Uncertain significance (1 of 4 stars; one submission).

Conditions:
Charcot-Marie-Tooth disease type 2. Also called: Charcot-Marie-Tooth type 2. Identifiers: Orphanet 64746, MedGen C0270914, MONDO:0018993.

Allele frequency attached by ClinVar (database versions not stated): gnomAD exomes 0.00005 and 0.00002; gnomAD 0.00018 and 0.00016; 1000 Genomes Project 0.00020; TOPMed 0.00020; ExAC 0.00009; 1000 Genomes Project 30x 0.00016; ESP Exome Variant Server 0.00031.
gnomAD v4.1: 53 of 1,569,392 alleles (0.0034%); highest among the groups gnomAD compares: African/African-American, 0.057%; no homozygotes.

Submission:

Labcorp Genetics (formerly Invitae), Labcorp
Classification: Uncertain significance for Charcot-Marie-Tooth disease type 2. Last evaluated: 2025-08-11. Review status: criteria provided, single submitter. Criteria: Invitae Variant Classification Sherloc (09022015). Collection method: clinical testing. Allele origin: germline.
Comment: This sequence change affects codon 494 of the MED25 mRNA. It is a 'silent' change, meaning that it does not change the encoded amino acid sequence of the MED25 protein. It affects a nucleotide within the consensus splice site. This variant is present in population databases (rs185234938, gnomAD 0.06%). This variant has not been reported in the literature in individuals affected with MED25-related conditions. ClinVar contains an entry for this variant (Variation ID: 1373702). Algorithms developed to predict the effect of sequence changes on RNA splicing suggest that this variant is not likely to affect RNA splicing. In summary, the available evidence is currently insufficient to determine the role of this variant in disease. Therefore, it has been classified as a Variant of Uncertain Significance.

NM_030973.4(MED25):c.1482C>T (p.Phe494=)

Gene: MED25 (mediator complex subunit 25; plus strand). Cytogenetic location: 19q13.33.
Variant type: single nucleotide variant.
Coding change: c.1482C>T on transcript NM_030973.4 (MANE Select); coding-DNA position 1482, C replaced by T.
Protein change: p.Phe494=; no amino-acid change (phenylalanine 494 retained).
Molecular consequence: synonymous variant.
Genome position (GRCh38, 1-based): chr19:49,832,415, C>T. VCF-style: chr19-49832415-C-T. GRCh37 (hg19) VCF-style: chr19-50335672-C-T.
Other names: c.1482C>T, p.Phe494= (NM_001378355.1).
Identifiers: ClinVar variation 1373702 (VCV001373702.4), dbSNP rs185234938, ClinGen allele CA9585279.